The following is an entry in ClinVar:

NM_000321.3(RB1):c.2663+6A>G

Gene: RB1 (RB transcriptional corepressor 1; plus strand). Cytogenetic location: 13q14.2.
Variant type: single nucleotide variant.
Coding change: c.2663+6A>G on transcript NM_000321.3 (MANE Select); 6 bases into the intron after coding-DNA position 2663, A replaced by G.
Molecular consequence: intron variant.
Genome position (GRCh38, 1-based): chr13:48,476,849, A>G. VCF-style: chr13-48476849-A-G. GRCh37 (hg19) VCF-style: chr13-49050985-A-G.
Identifiers: ClinVar variation 1404903 (VCV001404903.6), dbSNP rs2138359698, ClinGen allele CA2573149626.
Genomic context (GRCh38, chr13:48,476,849, plus strand): 5'-AACCACTGAAAAAACTACGCTTTGATATTGAAGGATCAGATGAAGCAGATGGAAGGTAGG[A>G]ACCAGTTTTGAATGTTTTCCAGTAGCCGAGATGGTCATCTGGGGAATCCAGAGTCTCAGC-3'

ClinVar aggregate classification (germline): Uncertain significance (1 of 4 stars; one submission).

Conditions:
Retinoblastoma (RB1). Also called: RETINOBLASTOMA, SOMATIC. Identifiers: Orphanet 790, MedGen C0035335, MeSH D012175, MONDO:0008380, OMIM 180200, HP:0009919. Disease mechanism: loss of function. Inheritance: Both sporadic and heritable forms are tested..

Submission:

Labcorp Genetics (formerly Invitae), Labcorp
Classification: Uncertain significance for Retinoblastoma. Last evaluated: 2021-09-14. Review status: criteria provided, single submitter. Criteria: Invitae Variant Classification Sherloc (09022015). Collection method: clinical testing. Allele origin: germline.
Comment: This sequence change falls in intron 25 of the RB1 gene. It does not directly change the encoded amino acid sequence of the RB1 protein. It affects a nucleotide within the consensus splice site of the intron. This variant is not present in population databases (ExAC no frequency). This variant has not been reported in the literature in individuals affected with RB1-related conditions. Variants that disrupt the consensus splice site are a relatively common cause of aberrant splicing (PMID: 17576681, 9536098). Algorithms developed to predict the effect of sequence changes on RNA splicing suggest that this variant is not likely to affect RNA splicing. In summary, the available evidence is currently insufficient to determine the role of this variant in disease. Therefore, it has been classified as a Variant of Uncertain Significance.

Literature cited by the submitters: PubMed 17576681; PubMed 9536098.